The following is an entry in ClinVar:

ClinVar aggregate classification (germline): Uncertain significance (1 of 4 stars; one submission).

Allele frequency attached by ClinVar (database versions not stated): gnomAD exomes below 0.00001.
gnomAD v4.1: 1 of 1,613,850 alleles (0.000062%); highest among the groups gnomAD compares: Non-Finnish European, 0.000085%; no homozygotes.

Submission:

Labcorp Genetics (formerly Invitae), Labcorp
Classification: Uncertain significance. Last evaluated: 2024-02-24. Review status: criteria provided, single submitter. Criteria: Invitae Variant Classification Sherloc (09022015). Collection method: clinical testing. Allele origin: germline.
Comment: This sequence change replaces aspartic acid, which is acidic and polar, with asparagine, which is neutral and polar, at codon 1021 of the HR protein (p.Asp1021Asn). This variant is not present in population databases (gnomAD no frequency). This variant has not been reported in the literature in individuals affected with HR-related conditions. ClinVar contains an entry for this variant (Variation ID: 2115290). An algorithm developed to predict the effect of missense changes on protein structure and function (PolyPhen-2) suggests that this variant is likely to be tolerated. In summary, the available evidence is currently insufficient to determine the role of this variant in disease. Therefore, it has been classified as a Variant of Uncertain Significance.

NM_005144.5(HR):c.3061G>A (p.Asp1021Asn)

Gene: HR (HR lysine demethylase and nuclear receptor corepressor; minus strand). Cytogenetic location: 8p21.3.
Variant type: single nucleotide variant.
Coding change: c.3061G>A on transcript NM_005144.5 (MANE Select); coding-DNA position 3061, G replaced by A.
Protein change: p.Asp1021Asn; replaces aspartic acid 1021 with asparagine.
Molecular consequence: missense variant.
Genome position (GRCh38, 1-based): chr8:22,119,200, C>T on the plus strand (G>A on the coding strand, the complement: HR is on the minus strand). VCF-style: chr8-22119200-C-T. GRCh37 (hg19) VCF-style: chr8-21976713-C-T.
Other names: c.3061G>A, p.Asp1021Asn (NM_018411.4); short protein forms D1021N.
Identifiers: ClinVar variation 2115290 (VCV002115290.4), dbSNP rs1563617214, ClinGen allele CA370516467.